The following is an entry in ClinVar:

ClinVar aggregate classification (germline): Uncertain significance (1 of 4 stars; one submission).

Conditions:
Primary ciliary dyskinesia. Also called: Ciliary dyskinesia. Identifiers: Orphanet 244, MedGen C0008780, MONDO:0016575, HP:0012265.

Submission:

Ambry Genetics
Classification: Uncertain significance for Primary ciliary dyskinesia. Last evaluated: 2026-01-06. Review status: criteria provided, single submitter. Criteria: Ambry Variant Classification Scheme 2023. Collection method: clinical testing. Allele origin: germline.
Comment: The p.W185C variant (also known as c.555G>C), located in coding exon 5 of the DNAAF3 gene, results from a G to C substitution at nucleotide position 555. The tryptophan at codon 185 is replaced by cysteine, an amino acid with highly dissimilar properties. This amino acid position is conserved. In addition, the in silico prediction for this alteration is inconclusive. Based on the available evidence, the clinical significance of this variant remains unclear.

NM_001256715.2(DNAAF3):c.351G>C (p.Trp117Cys)

Genes: DNAAF3 (dynein axonemal assembly factor 3; minus strand), DNAAF3-AS1 (DNAAF3 antisense RNA 1; plus strand). Cytogenetic location: 19q13.42.
Variant type: single nucleotide variant.
Coding change: c.351G>C on transcript NM_001256715.2 (MANE Select); coding-DNA position 351, G replaced by C.
Protein change: p.Trp117Cys; replaces tryptophan 117 with cysteine.
Molecular consequence: missense variant.
Genome position (GRCh38, 1-based): chr19:55,162,262, C>G on the plus strand (G>C on the coding strand, the complement: DNAAF3 is on the minus strand). VCF-style: chr19-55162262-C-G. GRCh37 (hg19) VCF-style: chr19-55673630-C-G.
Other names: c.555G>C, p.Trp185Cys (NM_001256714.1); c.189G>C, p.Trp63Cys (NM_001256716.2); c.492G>C, p.Trp164Cys (NM_178837.4); short protein forms W117C, W63C, W164C, W185C.
Identifiers: ClinVar variation 4844032 (VCV004844032.1).
Genomic context (GRCh38, chr19:55,162,262, plus strand): 5'-CAGCAGGTCGGCCTGGGCACGCACGAAGGCGGCCACTGGCGGGCGCAGCAGCGCGTTCCC[C>G]CACACTTCCAGGAAGGTCTCGCTTCGCTCTACGGAGAGAGGGAGATAATTGCGGGAATGT-3'
Protein context (NP_001243644.1, residues 107-127): QERSETFLEV[Trp117Cys]GNALLRPPVA